The following is an entry in ClinVar:

ClinVar aggregate classification (germline): Uncertain significance (1 of 4 stars; one submission).

Submission:

Labcorp Genetics (formerly Invitae), Labcorp
Classification: Uncertain significance. Last evaluated: 2023-11-25. Review status: criteria provided, single submitter. Criteria: Invitae Variant Classification Sherloc (09022015). Collection method: clinical testing. Allele origin: unknown.
Comment: This variant is a gross deletion of the genomic region encompassing exon(s) 31 of the MYO5A gene. This variant would be expected to be in-frame, preserving the integrity of the reading frame. This variant has not been reported in the literature in individuals affected with MYO5A-related conditions. Experimental studies and prediction algorithms are not available or were not evaluated, and the functional significance of this variant is currently unknown. In summary, the available evidence is currently insufficient to determine the role of this variant in disease. Therefore, it has been classified as a Variant of Uncertain Significance.

NC_000015.9:g.(?_52635294)_(52635414_?)del

Gene: MYO5A (myosin VA; minus strand). Cytogenetic location: 15q21.2.
Variant type: Deletion.
Identifiers: ClinVar variation 3243836 (VCV003243836.1).